The following is an entry in ClinVar:

ClinVar aggregate classification (germline): Benign (1 of 4 stars; one submission).

Allele frequency attached by ClinVar (database versions not stated): TOPMed 0.00374; 1000 Genomes Project 0.00419; 1000 Genomes Project 30x 0.00531.

Submission:

CeGaT Center for Human Genetics Tuebingen
Classification: Benign. Last evaluated: 2023-07-01. Review status: criteria provided, single submitter. Criteria: CeGaT Center For Human Genetics Tuebingen Variant Classification Criteria Version 2. Collection method: clinical testing. Allele origin: germline. Affected: yes. Observed: 1 variant allele.
Comment: ENSG00000289997: BS1, BS2

NC_000011.10:g.529670A>G

Gene: LRRC56 (leucine rich repeat containing 56; plus strand). Cytogenetic location: 11p15.5.
Variant type: single nucleotide variant.
Genome position: GRCh38 VCF-style: chr11-529670-A-G. GRCh37 (hg19) VCF-style: chr11-529670-A-G.
Identifiers: ClinVar variation 2641056 (VCV002641056.23), dbSNP rs375574637, ClinGen allele CA216940970.